The following is an entry in ClinVar:

NM_003242.6(TGFBR2):c.506G>T (p.Gly169Val)

Gene: TGFBR2 (transforming growth factor beta receptor 2; plus strand). Cytogenetic location: 3p24.1.
Variant type: single nucleotide variant.
Coding change: c.506G>T on transcript NM_003242.6 (MANE Select); coding-DNA position 506, G replaced by T.
Protein change: p.Gly169Val; replaces glycine 169 with valine.
Molecular consequence: missense variant.
Genome position (GRCh38, 1-based): chr3:30,671,689, G>T. VCF-style: chr3-30671689-G-T. GRCh37 (hg19) VCF-style: chr3-30713181-G-T.
Other names: c.581G>T, p.Gly194Val (NM_001024847.3); c.689G>T, p.Gly230Val (NM_001407126.1); c.614G>T, p.Gly205Val (NM_001407127.1); c.533G>T, p.Gly178Val (NM_001407128.1); c.509G>T, p.Gly170Val (NM_001407129.1); c.506G>T, p.Gly169Val (NM_001407130.1); c.401G>T, p.Gly134Val (NM_001407132.1, NM_001407133.1, NM_001407134.1 and 2 more transcripts); c.221G>T, p.Gly74Val (NM_001407137.1); and 1 more; short protein forms G194V, G169V, G170V, G205V, G49V, G74V, G134V, G230V.
Identifiers: ClinVar variation 922228 (VCV000922228.6), dbSNP rs1699339733, ClinGen allele CA351807260.

ClinVar aggregate classification (germline): Uncertain significance (1 of 4 stars; one submission).

Conditions:
Familial thoracic aortic aneurysm and aortic dissection (TAAD). Also called: Thoracic aortic aneurysms and dissections. Identifiers: Orphanet 91387, MedGen C4707243, MONDO:0019625.

Submission:

Color Diagnostics, LLC DBA Color Health
Classification: Uncertain significance for Familial thoracic aortic aneurysm and aortic dissection. Last evaluated: 2023-12-05. Review status: criteria provided, single submitter. Criteria: ACMG Guidelines, 2015. Collection method: clinical testing. Allele origin: germline.
Comment: This missense variant replaces glycine with valine at codon 194 of the TGFBR2 protein. Computational prediction tools and conservation analyses are inconclusive regarding the impact of this variant on the protein function. Computational splicing tools suggest that this variant may not impact RNA splicing. To our knowledge, functional assays have not been performed for this variant nor has this variant been reported in individuals affected with cardiovascular disorders in the literature. This variant has not been identified in the general population by the Genome Aggregation Database (gnomAD). Available evidence is insufficient to determine the role of this variant in disease conclusively. Therefore, this variant is classified as a Variant of Uncertain Significance.